The following is an entry in ClinVar:

NM_018191.4(RCBTB1):c.856G>A (p.Val286Met)

Gene: RCBTB1 (RCC1 and BTB domain containing protein 1; minus strand). Cytogenetic location: 13q14.2.
Variant type: single nucleotide variant.
Coding change: c.856G>A on transcript NM_018191.4 (MANE Select); coding-DNA position 856, G replaced by A.
Protein change: p.Val286Met; replaces valine 286 with methionine.
Molecular consequence: missense variant. On other transcripts: non-coding transcript variant (2).
Genome position (GRCh38, 1-based): chr13:49,549,647, C>T on the plus strand (G>A on the coding strand, the complement: RCBTB1 is on the minus strand). VCF-style: chr13-49549647-C-T. GRCh37 (hg19) VCF-style: chr13-50123783-C-T.
Other names: c.856G>A, p.Val286Met (NM_001352500.2, NM_001352501.2, NM_001352502.2 and 3 more transcripts); c.277G>A, p.Val93Met (NM_001352506.2); short protein forms V286M, V93M.
Identifiers: ClinVar variation 2090041 (VCV002090041.3), dbSNP rs772180688, ClinGen allele CA6982752.

ClinVar aggregate classification (germline): Uncertain significance (1 of 4 stars; one submission).

Allele frequency attached by ClinVar (database versions not stated): ExAC 0.00001; gnomAD exomes 0.00001.
gnomAD v4.1: 4 of 1,601,794 alleles (0.00025%); highest among the groups gnomAD compares: Admixed American, 0.0068%; no homozygotes.

Submission:

Labcorp Genetics (formerly Invitae), Labcorp
Classification: Uncertain significance. Last evaluated: 2022-05-24. Review status: criteria provided, single submitter. Criteria: Invitae Variant Classification Sherloc (09022015). Collection method: clinical testing. Allele origin: germline.
Comment: This sequence change replaces valine, which is neutral and non-polar, with methionine, which is neutral and non-polar, at codon 286 of the RCBTB1 protein (p.Val286Met). This variant is present in population databases (rs772180688, gnomAD 0.01%). This variant has not been reported in the literature in individuals affected with RCBTB1-related conditions. Algorithms developed to predict the effect of missense changes on protein structure and function (SIFT, PolyPhen-2, Align-GVGD) all suggest that this variant is likely to be tolerated. In summary, the available evidence is currently insufficient to determine the role of this variant in disease. Therefore, it has been classified as a Variant of Uncertain Significance.